The following is an entry in ClinVar:

ClinVar aggregate classification (germline): Likely pathogenic (1 of 4 stars; one submission).

Conditions:
Structural eye disease.

Submission:

North West Genomic Laboratory Hub, Manchester University NHS Foundation Trust
Classification: Likely pathogenic for Structural eye disease. Last evaluated: 2026-06-22. Review status: criteria provided, single submitter. Criteria: ACGS Best Practice Guidelines for Variant Classification in Rare Disease 2024. Collection method: clinical testing. Allele origin: germline. Affected: yes.
Comment: PVS1_Str PM2_Mod PP4_Supp

NM_001453.3(FOXC1):c.618_633del (p.Glu207fs)

Gene: FOXC1 (forkhead box C1; plus strand). Cytogenetic location: 6p25.3.
Variant type: Deletion.
Coding change: c.618_633del on transcript NM_001453.3 (MANE Select); coding-DNA positions 618 to 633, 16 bases deleted (GGAGCAGGCCGACGGC).
Protein change: p.Glu207fs; shifts the reading frame from glutamic acid 207.
Molecular consequence: frameshift variant.
Genome position (GRCh38, 1-based): chr6:1,611,063-1,611,078, GGAGCAGGCCGACGGC deleted; deleting any 16 consecutive bases within chr6:1,611,062-1,611,078 gives the same sequence; the c. name uses the placement nearest the transcript's 3' end. VCF-style (leftmost placement, unchanged base first): chr6-1611061-CCGGAGCAGGCCGACGG-C. GRCh37 (hg19) VCF-style: chr6-1611296-CCGGAGCAGGCCGACGG-C.
Other names: short protein forms E207fs.
Identifiers: ClinVar variation 5010134 (VCV005010134.1).